The following is an entry in ClinVar:

ClinVar aggregate classification (germline): Uncertain significance (1 of 4 stars; one submission).

Conditions:
Gorlin syndrome. Also called: Nevoid Basal Cell Carcinoma Syndrome; Basal cell nevus syndrome. Identifiers: Orphanet 377, MedGen C0004779, MONDO:0007187.

Submission:

Labcorp Genetics (formerly Invitae), Labcorp
Classification: Uncertain significance for Gorlin syndrome. Last evaluated: 2025-07-17. Review status: criteria provided, single submitter. Criteria: Invitae Variant Classification Sherloc (09022015). Collection method: clinical testing. Allele origin: germline.
Comment: This sequence change falls in intron 4 of the PTCH2 gene. It does not directly change the encoded amino acid sequence of the PTCH2 protein. It affects a nucleotide within the consensus splice site. This variant is not present in population databases (gnomAD no frequency). This variant has not been reported in the literature in individuals affected with PTCH2-related conditions. ClinVar contains an entry for this variant (Variation ID: 2196933). Variants that disrupt the consensus splice site are a relatively common cause of aberrant splicing (PMID: 17576681, 9536098). Algorithms developed to predict the effect of sequence changes on RNA splicing suggest that this variant is not likely to affect RNA splicing. In summary, the available evidence is currently insufficient to determine the role of this variant in disease. Therefore, it has been classified as a Variant of Uncertain Significance.

Literature cited by the submitters: PubMed 17576681; PubMed 9536098.

NM_003738.5(PTCH2):c.525+6T>C

Gene: PTCH2 (patched 2; minus strand). Cytogenetic location: 1p34.1.
Variant type: single nucleotide variant.
Coding change: c.525+6T>C on transcript NM_003738.5 (MANE Select); 6 bases into the intron after coding-DNA position 525, T replaced by C.
Molecular consequence: intron variant.
Genome position (GRCh38, 1-based): chr1:44,831,969, A>G on the plus strand (T>C on the coding strand, the complement: PTCH2 is on the minus strand). VCF-style: chr1-44831969-A-G. GRCh37 (hg19) VCF-style: chr1-45297641-A-G.
Other names: c.525+6T>C (NM_001166292.2).
Identifiers: ClinVar variation 2196933 (VCV002196933.4), dbSNP rs1653471438, ClinGen allele CA2473512491.